The following is an entry in ClinVar:

NM_001378120.1(MBD5):c.1417ATG[1] (p.Met474del)

Gene: MBD5 (methyl-CpG binding domain protein 5; plus strand). Cytogenetic location: 2q23.1.
Variant type: Microsatellite.
Coding change: c.1417ATG[1] on transcript NM_001378120.1 (MANE Select); one copy of the 3-base unit ATG starting at c.1417; the reference has two copies in a row; one copy, 3 bases deleted.
Protein change: p.Met474del; deletes methionine 474.
Molecular consequence: inframe deletion.
Genome position (GRCh38, 1-based): chr2:148,469,363-148,469,365, ATG deleted; deleting any 3 consecutive bases within chr2:148,469,360-148,469,365 gives the same sequence; the position shown is the placement nearest the transcript's 3' end. VCF-style (leftmost placement, unchanged base first): chr2-148469359-CATG-C. GRCh37 (hg19) VCF-style: chr2-149226928-CATG-C.
Other names: c.1417ATG[1], p.Met474del (NM_018328.5); short protein forms M474del.
Identifiers: ClinVar variation 934086 (VCV000934086.10), dbSNP rs1680710056, ClinGen allele CA1296773556.

ClinVar aggregate classification (germline): Uncertain significance (1 of 4 stars; one submission).

Conditions:
Intellectual developmental disorder, autosomal dominant 1. Also called: Intellectual disability, autosomal dominant 1; MBD5 Haploinsufficiency. Identifiers: Orphanet 228402, MedGen C1969562, MONDO:0007974, OMIM 156200.

Submission:

Labcorp Genetics (formerly Invitae), Labcorp
Classification: Uncertain significance for Intellectual developmental disorder, autosomal dominant 1. Last evaluated: 2023-10-13. Review status: criteria provided, single submitter. Criteria: Invitae Variant Classification Sherloc (09022015). Collection method: clinical testing. Allele origin: germline.
Comment: This variant, c.1420_1422del, results in the deletion of 1 amino acid(s) of the MBD5 protein (p.Met474del), but otherwise preserves the integrity of the reading frame. This variant is not present in population databases (gnomAD no frequency). This variant has not been reported in the literature in individuals affected with MBD5-related conditions. ClinVar contains an entry for this variant (Variation ID: 934086). Experimental studies and prediction algorithms are not available or were not evaluated, and the functional significance of this variant is currently unknown. In summary, the available evidence is currently insufficient to determine the role of this variant in disease. Therefore, it has been classified as a Variant of Uncertain Significance.